The following is an entry in ClinVar:

NM_003796.3(URI1):c.1461A>G (p.Val487=)

Gene: URI1 (URI1 prefoldin like chaperone; plus strand). Cytogenetic location: 19q12.
Variant type: single nucleotide variant.
Coding change: c.1461A>G on transcript NM_003796.3 (MANE Select); coding-DNA position 1461, A replaced by G.
Protein change: p.Val487=; no amino-acid change (valine 487 retained).
Molecular consequence: synonymous variant. On other transcripts: non-coding transcript variant (1), intron variant (1).
Genome position (GRCh38, 1-based): chr19:30,014,922, A>G. VCF-style: chr19-30014922-A-G. GRCh37 (hg19) VCF-style: chr19-30505829-A-G.
Other names: c.1372-614A>G (NM_001252641.2).
Identifiers: ClinVar variation 782967 (VCV000782967.28), dbSNP rs146454221, ClinGen allele CA9353024.

ClinVar aggregate classification (germline): Benign/Likely benign. Review status: criteria provided, multiple submitters, no conflicts (2 of 4 stars). 3 submissions from 3 submitters: Benign (2); Likely benign (1). Last evaluated 2024-01-01.

Allele frequency attached by ClinVar (database versions not stated): 1000 Genomes Project 0.00140; 1000 Genomes Project 30x 0.00172; TOPMed 0.00349; ESP Exome Variant Server 0.00361; gnomAD 0.00570 and 0.00584; ExAC 0.00653; gnomAD exomes 0.00657 and 0.00674.
gnomAD v4.1: 10,436 of 1,613,096 alleles (0.65%); highest among the groups gnomAD compares: South Asian, 0.76%; 67 homozygotes.

Submissions (3):

CeGaT Center for Human Genetics Tuebingen
Classification: Likely benign. Last evaluated: 2024-01-01. Review status: criteria provided, single submitter. Criteria: CeGaT Center For Human Genetics Tuebingen Variant Classification Criteria Version 2. Collection method: clinical testing. Allele origin: germline. Affected: yes. Observed: 2 variant alleles.
Comment: URI1: BP4, BP7, BS2

Labcorp Genetics (formerly Invitae), Labcorp
Classification: Benign. Last evaluated: 2018-07-31. Review status: criteria provided, single submitter. Criteria: Invitae Variant Classification Sherloc (09022015). Collection method: clinical testing. Allele origin: germline.

Breakthrough Genomics
Classification: Benign. Review status: criteria provided, single submitter. Criteria: ACMG Guidelines, 2015. Collection method: not provided. Allele origin: germline. Inheritance: Unknown mechanism. Affected: yes.